The following is an entry in ClinVar:

ClinVar aggregate classification (germline): Likely pathogenic (1 of 4 stars; one submission).

Conditions:
Glycine encephalopathy. Also called: Non-ketotic hyperglycinemia; Nonketotic hyperglycinemia. Identifiers: Orphanet 407, MedGen C0751748, MONDO:0011612, HP:0008288.

Allele frequency attached by ClinVar (database versions not stated): gnomAD exomes below 0.00001.
gnomAD v4.1: 1 of 1,606,784 alleles (0.000062%); highest among the groups gnomAD compares: South Asian, 0.0011%; no homozygotes.

Submission:

Labcorp Genetics (formerly Invitae), Labcorp
Classification: Likely pathogenic for Glycine encephalopathy. Last evaluated: 2025-08-10. Review status: criteria provided, single submitter. Criteria: Invitae Variant Classification Sherloc (09022015). Collection method: clinical testing. Allele origin: germline.
Comment: This sequence change replaces arginine, which is basic and polar, with tryptophan, which is neutral and slightly polar, at codon 962 of the GLDC protein (p.Arg962Trp). This variant is not present in population databases (gnomAD no frequency). This variant has not been reported in the literature in individuals affected with GLDC-related conditions. ClinVar contains an entry for this variant (Variation ID: 1345104). Invitae Evidence Modeling of protein sequence and biophysical properties (such as structural, functional, and spatial information, amino acid conservation, physicochemical variation, residue mobility, and thermodynamic stability) indicates that this missense variant is expected to disrupt GLDC protein function with a positive predictive value of 95%. This variant disrupts the p.Arg962 amino acid residue in GLDC. Other variant(s) that disrupt this residue have been determined to be pathogenic (PMID: 27362913). This suggests that this residue is clinically significant, and that variants that disrupt this residue are likely to be disease-causing. In summary, the currently available evidence indicates that the variant is pathogenic, but additional data are needed to prove that conclusively. Therefore, this variant has been classified as Likely Pathogenic.

Literature cited by the submitters: PubMed 27362913.

NM_000170.3(GLDC):c.2884C>T (p.Arg962Trp)

Gene: GLDC (glycine decarboxylase; minus strand). Cytogenetic location: 9p24.1.
Variant type: single nucleotide variant.
Coding change: c.2884C>T on transcript NM_000170.3 (MANE Select); coding-DNA position 2884, C replaced by T.
Protein change: p.Arg962Trp; replaces arginine 962 with tryptophan.
Molecular consequence: missense variant.
Genome position (GRCh38, 1-based): chr9:6,534,743, G>A on the plus strand (C>T on the coding strand, the complement: GLDC is on the minus strand). VCF-style: chr9-6534743-G-A. GRCh37 (hg19) VCF-style: chr9-6534743-G-A.
Other names: short protein forms R962W.
Identifiers: ClinVar variation 1345104 (VCV001345104.6), dbSNP rs1172061571, ClinGen allele CA372882088.